The following is an entry in ClinVar:

NM_024824.5(ZC3H14):c.1746C>T (p.Asn582=)

Gene: ZC3H14 (zinc finger CCCH-type containing 14; plus strand). Cytogenetic location: 14q31.3.
Variant type: single nucleotide variant.
Coding change: c.1746C>T on transcript NM_024824.5 (MANE Select); coding-DNA position 1746, C replaced by T.
Protein change: p.Asn582=; no amino-acid change (asparagine 582 retained).
Molecular consequence: synonymous variant. On other transcripts: non-coding transcript variant (1), intron variant (16).
Genome position (GRCh38, 1-based): chr14:88,603,059, C>T. VCF-style: chr14-88603059-C-T. GRCh37 (hg19) VCF-style: chr14-89069403-C-T.
Other names: c.1746C>T, p.Asn582= (NM_001160103.2); c.1671C>T, p.Asn557= (NM_001326296.2, NM_001326307.2); c.1644C>T, p.Asn548= (NM_001326297.2, NM_001326315.2, NM_001326316.2); c.1281C>T, p.Asn427= (NM_001326300.2, NM_001326302.2); c.1569C>T, p.Asn523= (NM_001326301.2); c.1206C>T, p.Asn402= (NM_001326305.2, NM_001326314.2); c.1178-4184C>T (NM_001326303.2); c.1732+14C>T (NM_001326310.2, NM_001160104.2); and 8 more.
Identifiers: ClinVar variation 3026487 (VCV003026487.22), dbSNP rs573730445, ClinGen allele CA7300628.

ClinVar aggregate classification (germline): Likely benign (1 of 4 stars; one submission).

Allele frequency attached by ClinVar (database versions not stated): gnomAD exomes 0.00002; gnomAD 0.00003; TOPMed 0.00003; ExAC 0.00009; 1000 Genomes Project 0.00040; 1000 Genomes Project 30x 0.00062.
gnomAD v4.1: 37 of 1,614,030 alleles (0.0023%); highest among the groups gnomAD compares: East Asian, 0.036%; no homozygotes.

Submission:

CeGaT Center for Human Genetics Tuebingen
Classification: Likely benign. Last evaluated: 2024-02-01. Review status: criteria provided, single submitter. Criteria: CeGaT Center For Human Genetics Tuebingen Variant Classification Criteria Version 2. Collection method: clinical testing. Allele origin: germline. Affected: yes. Observed: 1 variant allele.
Comment: ZC3H14: BP4, BP7